The following is an entry in ClinVar:

ClinVar aggregate classification (germline): Uncertain significance (1 of 4 stars; one submission).

Allele frequency attached by ClinVar (database versions not stated): ExAC 0.00002; gnomAD 0.00003; gnomAD exomes 0.00006; TOPMed 0.00006.

Submission:

Ambry Genetics
Classification: Uncertain significance. Last evaluated: 2024-04-05. Review status: criteria provided, single submitter. Criteria: Ambry Variant Classification Scheme 2023. Collection method: clinical testing. Allele origin: germline.
Comment: The p.I513T variant (also known as c.1538T>C), located in coding exon 8 of the PKP4 gene, results from a T to C substitution at nucleotide position 1538. The isoleucine at codon 513 is replaced by threonine, an amino acid with similar properties. This amino acid position is conserved. In addition, this alteration is predicted to be deleterious by in silico analysis. Since supporting evidence is limited at this time, the clinical significance of this alteration remains unclear.

NM_003628.6(PKP4):c.1538T>C (p.Ile513Thr)

Gene: PKP4 (plakophilin 4; plus strand). Cytogenetic location: 2q24.1.
Variant type: single nucleotide variant.
Coding change: c.1538T>C on transcript NM_003628.6 (MANE Select); coding-DNA position 1538, T replaced by C.
Protein change: p.Ile513Thr; replaces isoleucine 513 with threonine.
Molecular consequence: missense variant.
Genome position (GRCh38, 1-based): chr2:158,634,265, T>C. VCF-style: chr2-158634265-T-C. GRCh37 (hg19) VCF-style: chr2-159490777-T-C.
Other names: c.1538T>C, p.Ile513Thr (NM_001005476.4, NM_001304971.2, NM_001377218.1 and 1 more transcripts); c.1535T>C, p.Ile512Thr (NM_001304969.3, NM_001377219.1, NM_001377220.1 and 2 more transcripts); c.509T>C, p.Ile170Thr (NM_001304970.3); c.1532T>C, p.Ile511Thr (NM_001377222.1, NM_001377223.1); c.1529T>C, p.Ile510Thr (NM_001377224.1); short protein forms I510T, I512T, I511T, I170T, I513T.
Identifiers: ClinVar variation 1774760 (VCV001774760.3), dbSNP rs777216144, ClinGen allele CA1920738.